The following is an entry in ClinVar:

ClinVar aggregate classification (germline): Uncertain significance (1 of 4 stars; one submission).

gnomAD v4.1: 4 of 1,604,880 alleles (0.00025%); highest among the groups gnomAD compares: East Asian, 0.0045%; no homozygotes.

Submission:

Labcorp Genetics (formerly Invitae), Labcorp
Classification: Uncertain significance. Last evaluated: 2025-10-23. Review status: criteria provided, single submitter. Criteria: Invitae Variant Classification Sherloc (09022015). Collection method: clinical testing. Allele origin: germline.
Comment: This sequence change replaces aspartic acid, which is acidic and polar, with glycine, which is neutral and non-polar, at codon 267 of the ZNF513 protein (p.Asp267Gly). This variant is present in population databases (no rsID available, gnomAD 0.01%). This variant has not been reported in the literature in individuals affected with ZNF513-related conditions. An algorithm developed to predict the effect of missense changes on protein structure and function (PolyPhen-2) suggests that this variant is likely to be disruptive. In summary, the available evidence is currently insufficient to determine the role of this variant in disease. Therefore, it has been classified as a Variant of Uncertain Significance.

NM_144631.6(ZNF513):c.800A>G (p.Asp267Gly)

Gene: ZNF513 (zinc finger protein 513; minus strand). Cytogenetic location: 2p23.3.
Variant type: single nucleotide variant.
Coding change: c.800A>G on transcript NM_144631.6 (MANE Select); coding-DNA position 800, A replaced by G.
Protein change: p.Asp267Gly; replaces aspartic acid 267 with glycine.
Molecular consequence: missense variant.
Genome position (GRCh38, 1-based): chr2:27,378,371, T>C on the plus strand (A>G on the coding strand, the complement: ZNF513 is on the minus strand). VCF-style: chr2-27378371-T-C. GRCh37 (hg19) VCF-style: chr2-27601238-T-C.
Other names: c.614A>G, p.Asp205Gly (NM_001201459.2); short protein forms D267G, D205G.
Identifiers: ClinVar variation 4729413 (VCV004729413.1).